The following is an entry in ClinVar:

NM_001122681.2(SH3BP2):c.112G>C (p.Gly38Arg)

Gene: SH3BP2 (SH3 domain binding protein 2; plus strand). Cytogenetic location: 4p16.3.
Variant type: single nucleotide variant.
Coding change: c.112G>C on transcript NM_001122681.2 (MANE Select); coding-DNA position 112, G replaced by C.
Protein change: p.Gly38Arg; replaces glycine 38 with arginine.
Molecular consequence: missense variant.
Genome position (GRCh38, 1-based): chr4:2,820,729, G>C. VCF-style: chr4-2820729-G-C. GRCh37 (hg19) VCF-style: chr4-2822456-G-C.
Other names: c.196G>C, p.Gly66Arg (NM_001145855.2); c.283G>C, p.Gly95Arg (NM_001145856.2); c.112G>C, p.Gly38Arg (NM_003023.4); short protein forms G38R, G95R, G66R.
Identifiers: ClinVar variation 2152775 (VCV002152775.4), dbSNP rs773829474, ClinGen allele CA2818898.

ClinVar aggregate classification (germline): Uncertain significance (1 of 4 stars; one submission).

Conditions:
Fibrous dysplasia of jaw (CRBM). Also called: Cherubism. Identifiers: Orphanet 184, MedGen C0008029, MONDO:0007315, OMIM 118400.

gnomAD v4.1: 4 of 1,613,944 alleles (0.00025%); highest among the groups gnomAD compares: Non-Finnish European, 0.00034%; no homozygotes.

Submission:

Labcorp Genetics (formerly Invitae), Labcorp
Classification: Uncertain significance for Fibrous dysplasia of jaw. Last evaluated: 2022-08-20. Review status: criteria provided, single submitter. Criteria: Invitae Variant Classification Sherloc (09022015). Collection method: clinical testing. Allele origin: germline.
Comment: This sequence change replaces glycine, which is neutral and non-polar, with arginine, which is basic and polar, at codon 38 of the SH3BP2 protein (p.Gly38Arg). This variant is present in population databases (rs773829474, gnomAD 0.0009%). This variant has not been reported in the literature in individuals affected with SH3BP2-related conditions. Algorithms developed to predict the effect of missense changes on protein structure and function (SIFT, PolyPhen-2, Align-GVGD) all suggest that this variant is likely to be disruptive. In summary, the available evidence is currently insufficient to determine the role of this variant in disease. Therefore, it has been classified as a Variant of Uncertain Significance.